The following is an entry in ClinVar:

NC_000022.11:g.21126878C>T

Variant type: single nucleotide variant.
Genome position: GRCh38 VCF-style: chr22-21126878-C-T. GRCh37 (hg19) VCF-style: chr22-21481167-C-T.
Identifiers: ClinVar variation 2652934 (VCV002652934.23), dbSNP rs1224624339, ClinGen allele CA513715465.
Genomic context (GRCh38, chr22:21,126,878, plus strand): 5'-ACCAGAAGCCCCTGTTGCAAGTGAGGACAAAGTGTGGGAAGGCCGTGAGGGTCTGCAGTC[C>T]GAGATGGCCTTGTCCTCAACTTGCAGTGCACTGTTGATGCGCTGGAATGCCGCCTCCTTC-3'

ClinVar aggregate classification (germline): Likely benign (1 of 4 stars; one submission).

Submission:

CeGaT Center for Human Genetics Tuebingen
Classification: Likely benign. Last evaluated: 2023-03-01. Review status: criteria provided, single submitter. Criteria: CeGaT Center For Human Genetics Tuebingen Variant Classification Criteria Version 2. Collection method: clinical testing. Allele origin: germline. Affected: yes. Observed: 1 variant allele.
Comment: POM121L7P: BP4, BP7